The following is an entry in ClinVar:

NM_000257.4(MYH7):c.5655+3G>A

Gene: MYH7 (myosin heavy chain 7; minus strand). Cytogenetic location: 14q11.2.
Variant type: single nucleotide variant.
Coding change: c.5655+3G>A on transcript NM_000257.4 (MANE Select); 3 bases into the intron after coding-DNA position 5655, G replaced by A.
Molecular consequence: intron variant.
Genome position (GRCh38, 1-based): chr14:23,414,004, C>T on the plus strand (G>A on the coding strand, the complement: MYH7 is on the minus strand). VCF-style: chr14-23414004-C-T. GRCh37 (hg19) VCF-style: chr14-23883213-C-T.
Identifiers: ClinVar variation 407166 (VCV000407166.9), dbSNP rs1060501433, ClinGen allele CA16614150.

ClinVar aggregate classification (germline): Uncertain significance. Review status: criteria provided, multiple submitters, no conflicts (2 of 4 stars). 3 submissions from 3 submitters: Uncertain significance (3). Last evaluated 2025-06-24.

Conditions:
Cardiomyopathy (CMYO). Also called: Cardiomyopathies. Identifiers: Orphanet 167848, MedGen C0878544, MONDO:0004994, HP:0001638. Inheritance: Various modes of inheritance.
Hypertrophic cardiomyopathy. Also called: HYPERTROPHIC MYOCARDIOPATHY. Identifiers: Orphanet 217569, MedGen C0007194, MeSH D002312, MONDO:0005045, HP:0001639.

Submissions (3):

Color Diagnostics, LLC DBA Color Health
Classification: Uncertain significance for Cardiomyopathy. Last evaluated: 2025-06-24. Review status: criteria provided, single submitter. Criteria: ACMG Guidelines, 2015. Collection method: clinical testing. Allele origin: germline.
Comment: This variant causes a G to A nucleotide substitution at the +3 position of intron 38 of the MYH7 gene. To our knowledge, functional studies have not been reported for this variant. This variant has not been reported in individuals affected with MYH7-related disorders in the literature. This variant has not been identified in the general population by the Genome Aggregation Database (gnomAD). The available evidence is insufficient to determine the role of this variant in disease conclusively. Therefore, this variant is classified as a Variant of Uncertain Significance.

All of Us Research Program, National Institutes of Health
Classification: Uncertain significance for Cardiomyopathy. Last evaluated: 2024-02-05. Review status: criteria provided, single submitter. Criteria: ACMG Guidelines, 2015. Collection method: clinical testing. Allele origin: germline. Inheritance: Autosomal dominant inheritance. Observed: 3 variant alleles, 3 heterozygotes.
Comment: This variant causes a G to A nucleotide substitution at the +3 position of intron 38 of the MYH7 gene. To our knowledge, functional studies have not been reported for this variant. This variant has not been reported in individuals affected with MYH7-related disorders in the literature. This variant has not been identified in the general population by the Genome Aggregation Database (gnomAD). The available evidence is insufficient to determine the role of this variant in disease conclusively. Therefore, this variant is classified as a Variant of Uncertain Significance.

This study involves interpretation of variants in research participants for the purpose of population health screening. Participant phenotype was not available at the time of variant classification. Additional details can be found in publication PMID: 35346344, PMCID: PMC8962531

Labcorp Genetics (formerly Invitae), Labcorp
Classification: Uncertain significance for Hypertrophic cardiomyopathy. Last evaluated: 2022-06-05. Review status: criteria provided, single submitter. Criteria: Invitae Variant Classification Sherloc (09022015). Collection method: clinical testing. Allele origin: germline.
Comment: In summary, the available evidence is currently insufficient to determine the role of this variant in disease. Therefore, it has been classified as a Variant of Uncertain Significance. Variants that disrupt the consensus splice site are a relatively common cause of aberrant splicing (PMID: 17576681, 9536098). Algorithms developed to predict the effect of sequence changes on RNA splicing suggest that this variant is not likely to affect RNA splicing. ClinVar contains an entry for this variant (Variation ID: 407166). This variant has not been reported in the literature in individuals affected with MYH7-related conditions. This variant is not present in population databases (gnomAD no frequency). This sequence change falls in intron 38 of the MYH7 gene. It does not directly change the encoded amino acid sequence of the MYH7 protein. It affects a nucleotide within the consensus splice site.

Literature cited by the submitters: PubMed 17576681 (cited by Labcorp Genetics (formerly Invitae), Labcorp); PubMed 9536098 (cited by Labcorp Genetics (formerly Invitae), Labcorp).